The following is an entry in ClinVar:

NM_000484.4(APP):c.2262G>A (p.Gln754=)

Gene: APP (amyloid beta precursor protein; minus strand). Cytogenetic location: 21q21.3.
Variant type: single nucleotide variant.
Coding change: c.2262G>A on transcript NM_000484.4 (MANE Select); coding-DNA position 2262, G replaced by A.
Protein change: p.Gln754=; no amino-acid change (glutamine 754 retained).
Molecular consequence: synonymous variant.
Genome position (GRCh38, 1-based): chr21:25,881,721, C>T on the plus strand (G>A on the coding strand, the complement: APP is on the minus strand). VCF-style: chr21-25881721-C-T. GRCh37 (hg19) VCF-style: chr21-27254032-C-T.
Other names: p.Gln754=; c.2190G>A, p.Gln730= (NM_001136016.3); c.1869G>A, p.Gln623= (NM_001136129.3); c.2094G>A, p.Gln698= (NM_001136130.3, NM_001385253.1); c.1932G>A, p.Gln644= (NM_001136131.3); c.2208G>A, p.Gln736= (NM_001204301.2); c.2151G>A, p.Gln717= (NM_001204302.2); c.1983G>A, p.Gln661= (NM_001204303.2); and 2 more.
Identifiers: ClinVar variation 4684431 (VCV004684431.1).

ClinVar aggregate classification (germline): Likely benign (1 of 4 stars; one submission).

gnomAD v4.1: 1 of 1,614,032 alleles (0.000062%); no homozygotes.

Submission:

Mayo Clinic Laboratories, Mayo Clinic
Classification: Likely benign. Last evaluated: 2025-12-14. Review status: criteria provided, single submitter. Criteria: ACMG Guidelines, 2015. Collection method: clinical testing. Allele origin: germline. Observed: 1 variant allele.
Comment: BP4, BP7